The following is an entry in ClinVar:

ClinVar aggregate classification (germline): Likely benign (1 of 4 stars; one submission).

gnomAD v4.1: 8 of 1,613,946 alleles (0.0005%); highest among the groups gnomAD compares: African/African-American, 0.0027%; no homozygotes.

Submission:

CeGaT Center for Human Genetics Tuebingen
Classification: Likely benign. Last evaluated: 2022-11-01. Review status: criteria provided, single submitter. Criteria: CeGaT Center For Human Genetics Tuebingen Variant Classification Criteria Version 2. Collection method: clinical testing. Allele origin: germline. Affected: yes. Observed: 1 variant allele.
Comment: SON: BP4

NM_138927.4(SON):c.1085C>G (p.Pro362Arg)

Gene: SON (SON DNA and RNA binding protein; plus strand). Cytogenetic location: 21q22.11.
Variant type: single nucleotide variant.
Coding change: c.1085C>G on transcript NM_138927.4 (MANE Select); coding-DNA position 1085, C replaced by G.
Protein change: p.Pro362Arg; replaces proline 362 with arginine.
Molecular consequence: missense variant. On other transcripts: non-coding transcript variant (1), intron variant (1).
Genome position (GRCh38, 1-based): chr21:33,550,316, C>G. VCF-style: chr21-33550316-C-G. GRCh37 (hg19) VCF-style: chr21-34922622-C-G.
Other names: c.1085C>G, p.Pro362Arg (NM_001291411.2, NM_001412133.1, NM_032195.3 and 2 more transcripts); c.244+3937C>G (NM_001291412.3); short protein forms P362R.
Identifiers: ClinVar variation 2652608 (VCV002652608.24), dbSNP rs756474261, ClinGen allele CA10008810.